The following is an entry in ClinVar:

NM_020843.4(SCAPER):c.1614-6T>C

Gene: SCAPER (S-phase cyclin A associated protein in the ER; minus strand). Cytogenetic location: 15q24.3.
Variant type: single nucleotide variant.
Coding change: c.1614-6T>C on transcript NM_020843.4 (MANE Select); 6 bases into the intron before coding-DNA position 1614, T replaced by C.
Molecular consequence: intron variant.
Genome position (GRCh38, 1-based): chr15:76,765,078, A>G on the plus strand (T>C on the coding strand, the complement: SCAPER is on the minus strand). VCF-style: chr15-76765078-A-G. GRCh37 (hg19) VCF-style: chr15-77057419-A-G.
Other names: c.1230-6T>C (NM_001353011.2); c.1212-6T>C (NM_001353012.2, NM_001353010.2); c.1632-6T>C (NM_001353009.2); c.876-6T>C (NM_001145923.2).
Identifiers: ClinVar variation 4991584 (VCV004991584.1).
Genomic context (GRCh38, chr15:76,765,078, plus strand): 5'-CTGCTGTGCTTTCATTTGTTTTTCTTCATGTTTCTTCTTAGATTCTGCAATTGTTCTATT[A>G]ATACAAACAAATGGACAAGAGACATGAAATGTTTACATGATAAGGCCAGAAAAAGTGTTC-3'

ClinVar aggregate classification (germline): Likely benign (1 of 4 stars; one submission).

Conditions:
SCAPER-related disorder. Also called: SCAPER-related condition.

gnomAD v4.1: 6 of 1,515,612 alleles (0.0004%); highest among the groups gnomAD compares: African/African-American, 0.0055%; no homozygotes.

Submission:

PreventionGenetics, part of Exact Sciences
Classification: Likely benign for SCAPER-related condition. Last evaluated: 2026-07-22. Review status: criteria provided, single submitter. Criteria: ACMG Guidelines, 2015. Collection method: clinical testing. Allele origin: germline.
Comment: This variant is classified as likely benign based on ACMG/AMP sequence variant interpretation guidelines (Richards et al. 2015 PMID: 25741868, with internal and published modifications).